The following is an entry in ClinVar:

NM_000492.4(CFTR):c.2988+391G>A

Genes: CFTR (CF transmembrane conductance regulator; plus strand), CFTR-AS2 (CFTR antisense RNA 2; minus strand), LOC111674472 (DNase I hypersensitive sites in introns 16 and 17a of CFTR; plus strand). Cytogenetic location: 7q31.2.
Variant type: single nucleotide variant.
Coding change: c.2988+391G>A on transcript NM_000492.4 (MANE Select); 391 bases into the intron after coding-DNA position 2988, G replaced by A.
Molecular consequence: intron variant.
Genome position (GRCh38, 1-based): chr7:117,607,144, G>A. VCF-style: chr7-117607144-G-A. GRCh37 (hg19) VCF-style: chr7-117247198-G-A.
Identifiers: ClinVar variation 4280047 (VCV004280047.1).
Genomic context (GRCh38, chr7:117,607,144, plus strand): 5'-TGATGGAAGCCAACCTCCCCCCAAAAGGCCTGTATTAGAATGAAGATGGATTCCCTGGGT[G>A]GGTTACACTTGAAACTAGCCTCACCCATGAACACTTTGGCACAGATTAGCTAGCCCATTC-3'

ClinVar aggregate classification (germline): Likely benign (1 of 4 stars; one submission).

Conditions:
Cystic fibrosis (CF). Also called: MUCOVISCIDOSIS. Identifiers: Orphanet 586, MedGen C0010674, MONDO:0009061, OMIM 219700. Disease mechanism: loss of function.

Submission:

Johns Hopkins Genomics, Johns Hopkins University
Classification: Likely benign for Cystic fibrosis. Last evaluated: 2024-07-12. Review status: criteria provided, single submitter. Criteria: ACMG Guidelines, 2015. Collection method: clinical testing. Allele origin: germline.
Comment: BS1_supporting, BP4, BP7